The following is an entry in ClinVar:

ClinVar aggregate classification (germline): Uncertain significance. Review status: criteria provided, multiple submitters, no conflicts (2 of 4 stars). 2 submissions from 2 submitters: Uncertain significance (2). Last evaluated 2026-01-26.

Conditions:
Hypertrophic cardiomyopathy. Also called: HYPERTROPHIC MYOCARDIOPATHY. Identifiers: Orphanet 217569, MedGen C0007194, MeSH D002312, MONDO:0005045, HP:0001639.

Allele frequency attached by ClinVar (database versions not stated): gnomAD exomes below 0.00001; ExAC 0.00001.

Submissions (2):

GeneDx
Classification: Uncertain significance. Last evaluated: 2026-01-26. Review status: criteria provided, single submitter. Criteria: GeneDx Variant Classification Process June 2021. Collection method: clinical testing. Allele origin: germline.
Comment: Has been reported in an individual with HCM (PMID: 27600940); Not observed at significant frequency in large population cohorts (gnomAD); In silico analysis supports that this missense variant has a deleterious effect on protein structure/function; This variant is associated with the following publications: (PMID: 41357762, 27600940, 34542152)

Labcorp Genetics (formerly Invitae), Labcorp
Classification: Uncertain significance for Hypertrophic cardiomyopathy. Last evaluated: 2024-05-21. Review status: criteria provided, single submitter. Criteria: Invitae Variant Classification Sherloc (09022015). Collection method: clinical testing. Allele origin: germline.
Comment: This sequence change replaces tyrosine, which is neutral and polar, with cysteine, which is neutral and slightly polar, at codon 1347 of the MYH7 protein (p.Tyr1347Cys). This variant is present in population databases (rs778542758, gnomAD 0.007%). This missense change has been observed in individual(s) with hypertrophic cardiomyopathy (PMID: 27600940). ClinVar contains an entry for this variant (Variation ID: 844560). Advanced modeling of protein sequence and biophysical properties (such as structural, functional, and spatial information, amino acid conservation, physicochemical variation, residue mobility, and thermodynamic stability) performed at Invitae indicates that this missense variant is expected to disrupt MYH7 protein function with a positive predictive value of 95%. In summary, the available evidence is currently insufficient to determine the role of this variant in disease. Therefore, it has been classified as a Variant of Uncertain Significance.

Literature cited by the submitters: PubMed 27600940 (cited by Labcorp Genetics (formerly Invitae), Labcorp).

NM_000257.4(MYH7):c.4040A>G (p.Tyr1347Cys)

Gene: MYH7 (myosin heavy chain 7; minus strand). Cytogenetic location: 14q11.2.
Variant type: single nucleotide variant.
Coding change: c.4040A>G on transcript NM_000257.4 (MANE Select); coding-DNA position 4040, A replaced by G.
Protein change: p.Tyr1347Cys; replaces tyrosine 1347 with cysteine.
Molecular consequence: missense variant.
Genome position (GRCh38, 1-based): chr14:23,418,339, T>C on the plus strand (A>G on the coding strand, the complement: MYH7 is on the minus strand). VCF-style: chr14-23418339-T-C. GRCh37 (hg19) VCF-style: chr14-23887548-T-C.
Other names: c.4040A>G (NM_000257.2); short protein forms Y1347C.
Identifiers: ClinVar variation 844560 (VCV000844560.10), dbSNP rs778542758, ClinGen allele CA040155.